The following is an entry in ClinVar:

ClinVar aggregate classification (germline): Uncertain significance (1 of 4 stars; one submission).

gnomAD v4.1: 2 of 1,614,060 alleles (0.00012%); highest among the groups gnomAD compares: Non-Finnish European, 0.000085%; no homozygotes.

Submission:

Women's Health and Genetics/Laboratory Corporation of America, LabCorp
Classification: Uncertain significance. Last evaluated: 2025-10-07. Review status: criteria provided, single submitter. Criteria: LabCorp Variant Classification Summary - May 2015. Collection method: clinical testing. Allele origin: germline.
Comment: Variant summary: PRORP c.84T>G (p.Tyr28X) results in a premature termination codon, predicted to cause a truncation of the encoded protein or absence of the protein due to nonsense mediated decay, however current evidence is not sufficient to establish loss of function as a mechanism for disease. The variant was absent in 251156 control chromosomes. The available data on variant occurrences in the general population are insufficient to allow any conclusion about variant significance. To our knowledge, no occurrence of c.84T>G in individuals affected with PRORP-related conditions and no experimental evidence demonstrating its impact on protein function have been reported. No submitters have cited clinical-significance assessments for this variant to ClinVar. Based on the evidence outlined above, the variant was classified as uncertain significance.

NM_014672.4(PRORP):c.84T>G (p.Tyr28Ter)

Genes: PRORP (protein only RNase P catalytic subunit; plus strand), PRORP-PSMA6 (PRORP-PSMA6 readthrough; plus strand). Cytogenetic location: 14q13.2.
Variant type: single nucleotide variant.
Coding change: c.84T>G on transcript NM_014672.4 (MANE Select); coding-DNA position 84, T replaced by G.
Protein change: p.Tyr28Ter; replaces tyrosine 28 with a stop codon.
Molecular consequence: nonsense. On other transcripts: non-coding transcript variant (4), intron variant (3).
Genome position (GRCh38, 1-based): chr14:35,123,329, T>G. VCF-style: chr14-35123329-T-G. GRCh37 (hg19) VCF-style: chr14-35592535-T-G.
Other names: c.84T>G, p.Tyr28Ter (NM_001256678.2, NM_001414503.1); c.-131+419T>G (NM_001256680.2); c.-83+419T>G (NM_001256681.2); c.-26-176T>G (NM_001256679.2); short protein forms Y28*.
Identifiers: ClinVar variation 4687479 (VCV004687479.1).